The following is an entry in ClinVar:

NM_000059.4(BRCA2):c.309A>C (p.Leu103Phe)

Gene: BRCA2 (BRCA2 DNA repair associated; plus strand). Cytogenetic location: 13q13.1.
Variant type: single nucleotide variant.
Coding change: c.309A>C on transcript NM_000059.4 (MANE Select); coding-DNA position 309, A replaced by C.
Protein change: p.Leu103Phe; replaces leucine 103 with phenylalanine.
Molecular consequence: missense variant.
Genome position (GRCh38, 1-based): chr13:32,319,318, A>C. VCF-style: chr13-32319318-A-C. GRCh37 (hg19) VCF-style: chr13-32893455-A-C.
Other names: short protein forms L103F.
Identifiers: ClinVar variation 822875 (VCV000822875.4), dbSNP rs1593882929, ClinGen allele CA387754709.

ClinVar aggregate classification (germline): Uncertain significance (1 of 4 stars; one submission).

Conditions:
Hereditary cancer-predisposing syndrome. Also called: Tumor predisposition; Hereditary Cancer Syndrome; Neoplastic Syndromes, Hereditary; Hereditary neoplastic syndrome. Identifiers: Orphanet 140162, MedGen C0027672, MeSH D009386, MONDO:0015356.

Submission:

Ambry Genetics
Classification: Uncertain significance for Hereditary cancer-predisposing syndrome. Last evaluated: 2018-02-06. Review status: criteria provided, single submitter. Criteria: Ambry Variant Classification Scheme 2023. Collection method: clinical testing. Allele origin: germline.
Comment: The p.L103F variant (also known as c.309A>C), located in coding exon 2 of the BRCA2 gene, results from an A to C substitution at nucleotide position 309. The leucine at codon 103 is replaced by phenylalanine, an amino acid with highly similar properties. This amino acid position is well conserved in available vertebrate species. In addition, this alteration is predicted to be tolerated by in silico analysis. Since supporting evidence is limited at this time, the clinical significance of this alteration remains unclear.